The following is an entry in ClinVar:

ClinVar aggregate classification (germline): Benign/Likely benign. Review status: criteria provided, multiple submitters, no conflicts (2 of 4 stars). 5 submissions from 5 submitters: Benign (1); Likely benign (3). 1 of the submissions does not count toward it. Last evaluated 2026-01-15.

Conditions:
FAT4-related disorder. Also called: FAT4-related condition.

Allele frequency attached by ClinVar (database versions not stated): TOPMed 0.00015; 1000 Genomes Project 30x 0.00016; 1000 Genomes Project 0.00020; ESP Exome Variant Server 0.00023.
gnomAD v4.1: 284 of 1,614,054 alleles (0.018%); highest among the groups gnomAD compares: East Asian, 0.022%; no homozygotes.

Submissions (5):

Labcorp Genetics (formerly Invitae), Labcorp
Classification: Likely benign. Last evaluated: 2026-01-15. Review status: criteria provided, single submitter. Criteria: Invitae Variant Classification Sherloc (09022015). Collection method: clinical testing. Allele origin: germline.

Laboratory of Genetics, Children's Clinical University Hospital Latvia
Classification: Benign. Last evaluated: 2025-02-16. Review status: criteria provided, single submitter. Criteria: ACMG Guidelines, 2015. Collection method: clinical testing. Allele origin: germline. Affected: yes.

Blueprint Genetics
Classification: Likely benign. Last evaluated: 2024-10-17. Review status: criteria provided, single submitter. Criteria: ACMG Guidelines, 2015. Collection method: clinical testing. Allele origin: germline.

GeneDx
Classification: Likely benign. Last evaluated: 2018-11-20. Review status: criteria provided, single submitter. Criteria: GeneDx Variant Classification Process June 2021. Collection method: clinical testing. Allele origin: germline. Affected: yes.

PreventionGenetics, part of Exact Sciences
Classification: Likely benign for FAT4-related condition. Last evaluated: 2019-05-21. Review status: no assertion criteria provided. Collection method: clinical testing. Allele origin: germline. Not counted in ClinVar's aggregate classification.
Comment: This variant is classified as likely benign based on ACMG/AMP sequence variant interpretation guidelines (Richards et al. 2015 PMID: 25741868, with internal and published modifications).

NM_001291303.3(FAT4):c.13548C>T (p.Thr4516=)

Gene: FAT4 (FAT atypical cadherin 4; plus strand). Cytogenetic location: 4q28.1.
Variant type: single nucleotide variant.
Coding change: c.13548C>T on transcript NM_001291303.3 (MANE Select); coding-DNA position 13548, C replaced by T.
Protein change: p.Thr4516=; no amino-acid change (threonine 4516 retained).
Molecular consequence: synonymous variant.
Genome position (GRCh38, 1-based): chr4:125,490,364, C>T. VCF-style: chr4-125490364-C-T. GRCh37 (hg19) VCF-style: chr4-126411519-C-T.
Other names: c.13545C>T, p.Thr4515= (NM_001291285.3); c.13542C>T, p.Thr4514= (NM_024582.6).
Identifiers: ClinVar variation 753081 (VCV000753081.14), dbSNP rs138057366, ClinGen allele CA3074387.